The following is an entry in ClinVar:

NM_018136.5(ASPM):c.3796G>T (p.Glu1266Ter)

Gene: ASPM (assembly factor for spindle microtubules; minus strand). Cytogenetic location: 1q31.3.
Variant type: single nucleotide variant.
Coding change: c.3796G>T on transcript NM_018136.5 (MANE Select); coding-DNA position 3796, G replaced by T.
Protein change: p.Glu1266Ter; replaces glutamic acid 1266 with a stop codon.
Molecular consequence: nonsense.
Genome position (GRCh38, 1-based): chr1:197,121,989, C>A on the plus strand (G>T on the coding strand, the complement: ASPM is on the minus strand). VCF-style: chr1-197121989-C-A. GRCh37 (hg19) VCF-style: chr1-197091119-C-A.
Other names: c.3796G>T, p.Glu1266Ter (NM_001206846.2); short protein forms E1266*.
Identifiers: ClinVar variation 21582 (VCV000021582.61), dbSNP rs199422161, ClinGen allele CA342248.

ClinVar aggregate classification (germline): Pathogenic. Review status: criteria provided, multiple submitters, no conflicts (2 of 4 stars). 11 submissions from 11 submitters: Pathogenic (10). 1 of the submissions does not count toward it. Last evaluated 2026-06-29.

Conditions:
Autosomal recessive primary microcephaly. Identifiers: Orphanet 2512, MedGen C3711387, MONDO:0016660.
Microcephaly 5, primary, autosomal recessive (MCPH5). Also called: ASPM Primary Microcephaly. Identifiers: Orphanet 2512, MedGen C1837501, MONDO:0012106, OMIM 608716.
Multiple congenital anomalies/dysmorphic syndrome-intellectual disability. Identifiers: Orphanet 102283, MedGen C5680372, MONDO:0015159.
Microcephaly. Also called: Microcephaly (disease). Identifiers: MedGen C4551563, MONDO:0001149, HP:0000252.

Allele frequency attached by ClinVar (database versions not stated): TOPMed below 0.00001; gnomAD 0.00001.
gnomAD v4.1: 17 of 1,611,688 alleles (0.0011%); highest among the groups gnomAD compares: Non-Finnish European, 0.0014%; no homozygotes.

Submissions (11):

Laboratory of Medical Genetics, University of Torino
Classification: Pathogenic for Microcephaly 5, primary, autosomal recessive. Last evaluated: 2026-06-29. Review status: criteria provided, single submitter. Criteria: ACMG Guidelines, 2015. Collection method: clinical testing. Allele origin: paternal. Affected: yes.

3billion
Classification: Pathogenic for Microcephaly 5, primary, autosomal recessive. Last evaluated: 2025-09-03. Review status: criteria provided, single submitter. Criteria: ACMG Guidelines, 2015. Collection method: clinical testing. Allele origin: germline. Affected: yes.
Comment: The variant is observed at an extremely low frequency in the gnomAD v4.1.0 dataset (total allele frequency: 0.001%). Predicted Consequence/Location: Stop-gained (nonsense): predicted to result in a loss or disruption of normal protein function through nonsense-mediated decay (NMD) or protein truncation. Multiple pathogenic variants are reported downstream of the variant. The variant has been reported to be in trans with a pathogenic variant as either compound heterozygous or homozygous in at least one similarly affected unrelated individual (PMID: 19028728, 30842647). The variant has been reported to co-segregate with the disease in at least one similarly affected relative/individual in the same family or similarly affected unrelated families (PMID: 22823409). The variant has been reported at least twice as pathogenic with clinical assertions and evidence for the classification (ClinVar ID: VCV000021582 /PMID: 19028728). Therefore, this variant is classified as Pathogenic according to the recommendation of ACMG/AMP guideline.

GeneDx
Classification: Pathogenic. Last evaluated: 2024-09-04. Review status: criteria provided, single submitter. Criteria: GeneDx Variant Classification Process June 2021. Collection method: clinical testing. Allele origin: germline. Affected: yes.
Comment: Reported in the homozygous state or with a second ASPM variant, either in trans or phase unknown, in individuals with autosomal recessive primary microcephaly in the literature and referred for genetic testing at GeneDx and not observed in homozygous state in controls (PMID: 30842647, 19028728, 20679666, 22823409); Nonsense variant predicted to result in protein truncation or nonsense mediated decay in a gene for which loss of function is a known mechanism of disease; Not observed at significant frequency in large population cohorts (gnomAD); This variant is associated with the following publications: (PMID: 20301772, 25525159, 20679666, 34426522, 35089071, 19028728, 37599996, 30842647, 22823409)

CeGaT Center for Human Genetics Tuebingen
Classification: Pathogenic. Last evaluated: 2024-05-01. Review status: criteria provided, single submitter. Criteria: CeGaT Center For Human Genetics Tuebingen Variant Classification Criteria Version 2. Collection method: clinical testing. Allele origin: germline. Affected: yes. Observed: 3 variant alleles.
Comment: ASPM: PVS1, PM2, PM3:Supporting

Genome-Nilou Lab
Classification: Pathogenic for Microcephaly 5, primary, autosomal recessive. Last evaluated: 2023-04-11. Review status: criteria provided, single submitter. Criteria: ACMG Guidelines, 2015. Collection method: clinical testing. Allele origin: germline. Affected: no.

Labcorp Genetics (formerly Invitae), Labcorp
Classification: Pathogenic. Last evaluated: 2022-12-04. Review status: criteria provided, single submitter. Criteria: Invitae Variant Classification Sherloc (09022015). Collection method: clinical testing. Allele origin: germline.
Comment: For these reasons, this variant has been classified as Pathogenic. ClinVar contains an entry for this variant (Variation ID: 21582). This premature translational stop signal has been observed in individual(s) with primary microcephaly (PMID: 19028728, 30842647). This variant is present in population databases (rs199422161, gnomAD 0.002%). This sequence change creates a premature translational stop signal (p.Glu1266*) in the ASPM gene. It is expected to result in an absent or disrupted protein product. Loss-of-function variants in ASPM are known to be pathogenic (PMID: 19028728, 23611254).

Genetic Services Laboratory, University of Chicago
Classification: Pathogenic. Last evaluated: 2021-12-27. Review status: criteria provided, single submitter. Criteria: ACMG Guidelines, 2015. Collection method: clinical testing. Allele origin: germline. Affected: yes.
Comment: DNA sequence analysis of the ASPM gene demonstrated a sequence change, c.3796G>T, which results in the creation of a premature stop codon at amino acid position 1266, p.Glu1266*. This pathogenic sequence change is predicted to result in an abnormal transcript, which may be degraded, or may lead to the production of a truncated ASPM protein with potentially abnormal function. This sequence change has been described in the gnomAD database in two individuals which corresponds to a population frequency of 0.0008% (dbSNP rs199422161). This pathogenic sequence change has previously been described the homozygous and compound heterozygous state in individuals with microcephaly (PMID: 30842647, 20679666, 19028728).

AURAGEN, Plan France Médecine Génomique
Classification: Pathogenic for Multiple congenital anomalies/dysmorphic syndrome-intellectual disability. Last evaluated: 2021-02-23. Review status: criteria provided, single submitter. Criteria: PFMG2025 (Lancet Reg Health Eur. 2025). Collection method: clinical testing. Allele origin: germline. Affected: yes.

Women's Health and Genetics/Laboratory Corporation of America, LabCorp
Classification: Pathogenic for Primary autosomal recessive microcephaly. Last evaluated: 2019-09-04. Review status: criteria provided, single submitter. Criteria: LabCorp Variant Classification Summary - May 2015. Collection method: clinical testing. Allele origin: germline.
Comment: Variant summary: ASPM c.3796G>T (p.Glu1266X) results in a premature termination codon, predicted to cause a truncation of the encoded protein or absence of the protein due to nonsense mediated decay, which are commonly known mechanisms for disease. Truncations downstream of this position have been classified as pathogenic by our laboratory (e.g. c.9178C>T (p.Gln3060X)). The variant allele was found at a frequency of 8e-06 in 250222 control chromosomes (gnomAD). c.3796G>T has been reported in the literature in individuals affected with Primary autosomal recessive microcephaly (Nicholas_2009, Halsall_2010, Ariani_2013). In one of these reports, this variant was also found in heterozygosity, in an individual who was affected with microcephaly, but without serious cognitive dysfunction (Ariani_2013). These data indicate that the variant is likely to be associated with disease. To our knowledge, no experimental evidence demonstrating an impact on protein function has been reported. One submitter has provided clinical-significance assessments for this variant to ClinVar after 2014 without evidence for independent evaluation and classified the variant as pathogenic. Based on the evidence outlined above, the variant was classified as pathogenic.

Equipe Genetique des Anomalies du Developpement, Université de Bourgogne
Classification: Pathogenic for Microcephaly. Review status: criteria provided, single submitter. Criteria: ACMG Guidelines, 2015. Collection method: clinical testing. Allele origin: maternal. Affected: yes.

GeneReviews
No classification provided. Condition: Microcephaly 5, primary, autosomal recessive. Review status: no classification provided. Collection method: literature only. Allele origin: unknown. Not counted in ClinVar's aggregate classification.

Literature cited by the submitters: PubMed 22823409 (cited by 3billion and Women's Health and Genetics/Laboratory Corporation of America, LabCorp); PubMed 19028728 (cited by 3 submitters); PubMed 30842647 (cited by 3billion and Labcorp Genetics (formerly Invitae), Labcorp); PubMed 23611254 (cited by Labcorp Genetics (formerly Invitae), Labcorp); PubMed 20679666 (cited by Women's Health and Genetics/Laboratory Corporation of America, LabCorp); PubMed 20301772 (cited by GeneReviews); NCBI Bookshelf NBK9587 (cited by GeneReviews).